The following is an entry in ClinVar:

NM_001347721.2(DYRK1A):c.440T>C (p.Met147Thr)

Gene: DYRK1A (dual specificity tyrosine phosphorylation regulated kinase 1A; plus strand). Cytogenetic location: 21q22.13.
Variant type: single nucleotide variant.
Coding change: c.440T>C on transcript NM_001347721.2 (MANE Select); coding-DNA position 440, T replaced by C.
Protein change: p.Met147Thr; replaces methionine 147 with threonine.
Molecular consequence: missense variant.
Genome position (GRCh38, 1-based): chr21:37,480,777, T>C. VCF-style: chr21-37480777-T-C. GRCh37 (hg19) VCF-style: chr21-38853079-T-C.
Other names: c.440T>C, p.Met147Thr (NM_001347722.2, NM_130436.2); c.353T>C, p.Met118Thr (NM_001347723.2); c.467T>C, p.Met156Thr (NM_001396.5, NM_101395.2, NM_130438.2); short protein forms M156T, M118T, M147T.
Identifiers: ClinVar variation 2843916 (VCV002843916.3), dbSNP rs2052611248, ClinGen allele CA409944497.
Genomic context (GRCh38, chr21:37,480,777, plus strand): 5'-ACAATGATGGTTATGATGATGATAACTATGATTATATTGTAAAAAACGGAGAAAAGTGGA[T>C]GGATCGTTACGAAATTGACTCCTTGATAGGCAAAGGTTCCTTTGGACAGGTAATTTAATG-3'
Protein context (NP_001334650.1, residues 137-157): DYIVKNGEKW[Met147Thr]DRYEIDSLIG

ClinVar aggregate classification (germline): Uncertain significance (1 of 4 stars; one submission).

Conditions:
DYRK1A-related intellectual disability syndrome (MRD7). Also called: DYRK1A Syndrome; Intellectual developmental disorder, autosomal dominant 7. Identifiers: Orphanet 464306, MedGen C5568143, MONDO:0013578, OMIM 614104.

Allele frequency attached by ClinVar (database versions not stated): gnomAD 0.00001.

Submission:

Labcorp Genetics (formerly Invitae), Labcorp
Classification: Uncertain significance for DYRK1A-related intellectual disability syndrome. Last evaluated: 2023-03-08. Review status: criteria provided, single submitter. Criteria: Invitae Variant Classification Sherloc (09022015). Collection method: clinical testing. Allele origin: germline.
Comment: Advanced modeling of protein sequence and biophysical properties (such as structural, functional, and spatial information, amino acid conservation, physicochemical variation, residue mobility, and thermodynamic stability) performed at Invitae indicates that this missense variant is not expected to disrupt DYRK1A protein function. In summary, the available evidence is currently insufficient to determine the role of this variant in disease. Therefore, it has been classified as a Variant of Uncertain Significance. This variant has not been reported in the literature in individuals affected with DYRK1A-related conditions. This variant is not present in population databases (gnomAD no frequency). This sequence change replaces methionine, which is neutral and non-polar, with threonine, which is neutral and polar, at codon 156 of the DYRK1A protein (p.Met156Thr).